The following is an entry in ClinVar:

NM_000092.5(COL4A4):c.477AGG[3] (p.Gly161dup)

Gene: COL4A4 (collagen type IV alpha 4 chain; minus strand). Cytogenetic location: 2q36.3.
Variant type: Microsatellite.
Coding change: c.477AGG[3] on transcript NM_000092.5 (MANE Select); three copies in a row of the 3-base unit AGG starting at c.477; the reference has two copies in a row; one copy, 3 bases duplicated; also written c.480_482dup.
Protein change: p.Gly161dup; duplicates glycine 161.
Molecular consequence: inframe insertion.
Genome position (GRCh38, 1-based): chr2:227,118,652-227,118,654, CCT duplicated on the plus strand (AGG on the coding strand, the reverse complement: COL4A4 is on the minus strand); duplicating any 3 consecutive bases within chr2:227,118,652-227,118,657 gives the same sequence; the position shown is the placement nearest the transcript's 3' end. VCF-style (leftmost placement, unchanged base first): chr2-227118651-G-GCCT. GRCh37 (hg19) VCF-style: chr2-227983367-G-GCCT.
Other names: c.480_482dupAGG (NM_000092.4); c.480_482dup (NM_000092.4, NM_000092.5).
Identifiers: ClinVar variation 553413 (VCV000553413.6), dbSNP rs1553695272, ClinGen allele CA658822707.
Genomic context (GRCh38, chr2:227,118,651, plus strand): 5'-CCACAGGGCCTGTTCACTTAAGATTCCTGTTAAGATGAACTGTGGGTATCTTACTAGGGG[G>GCCT]CCTCCTGGGCCAAGAGCTCCTCTTCCTCCTGGAAACCCTGGGTCACCTCTTGAGCCATTG-3'

ClinVar aggregate classification (germline): Uncertain significance. Review status: criteria provided, multiple submitters, no conflicts (2 of 4 stars). 4 submissions from 4 submitters: Uncertain significance (2). 2 of the submissions do not count toward it. Last evaluated 2025-03-19.

Conditions:
Autosomal dominant Alport syndrome (ATS3A). Also called: Alport syndrome dominant type; Renal failure and sensorineural hearing loss; ALPORT SYNDROME 3A, AUTOSOMAL DOMINANT. Identifiers: Orphanet 63, Orphanet 88918, MedGen C5882663, MONDO:0007086, OMIM 104200.
Autosomal recessive Alport syndrome (ATS2). Also called: COL4A4 Alport Syndrome and Thin Basement Membrane Nephropathy; COL4A3-Related Nephropathy; ALPORT SYNDROME 2, AUTOSOMAL RECESSIVE; Alport syndrome type 2. Identifiers: Orphanet 63, Orphanet 88919, MedGen C4746745, MONDO:0008762, OMIM 203780.

Submissions (4):

Institute of Human Genetics, Cologne University
Classification: Uncertain significance for Autosomal recessive Alport syndrome. Last evaluated: 2025-03-19. Review status: criteria provided, single submitter. Criteria: ACMG Guidelines, 2015. Collection method: clinical testing. Allele origin: germline.

Labcorp Genetics (formerly Invitae), Labcorp
Classification: Uncertain significance. Last evaluated: 2021-09-01. Review status: criteria provided, single submitter. Criteria: Invitae Variant Classification Sherloc (09022015). Collection method: clinical testing. Allele origin: germline.
Comment: This variant, c.480_482dup, results in the insertion of 1 amino acid(s) to the COL4A4 protein (p.Gly161dup), but otherwise preserves the integrity of the reading frame. This variant is not present in population databases (ExAC no frequency). This variant has been observed in individual(s) with clinical features of Alport syndrome (Invitae). In at least one individual the data is consistent with the variant being in trans (on the opposite chromosome) from a pathogenic variant. ClinVar contains an entry for this variant (Variation ID: 553413). Experimental studies and prediction algorithms are not available or were not evaluated, and the functional significance of this variant is currently unknown. In summary, the available evidence is currently insufficient to determine the role of this variant in disease. Therefore, it has been classified as a Variant of Uncertain Significance.

Bioscientia Institut fuer Medizinische Diagnostik GmbH, Sonic Healthcare
Classification: Uncertain significance for Autosomal dominant Alport syndrome. Last evaluated: 2018-01-09. Review status: no assertion criteria provided. Collection method: clinical testing. Allele origin: germline. Affected: yes. Not counted in ClinVar's aggregate classification.

Counsyl
Classification: Uncertain significance for Autosomal recessive Alport syndrome. Last evaluated: 2017-08-18. Review status: no assertion criteria provided. Collection method: clinical testing. Allele origin: unknown. Not counted in ClinVar's aggregate classification.